The following is an entry in ClinVar:

ClinVar aggregate classification (germline): Pathogenic (1 of 4 stars; one submission).

Conditions:
Primary ciliary dyskinesia 3. Identifiers: Orphanet 244, MedGen C1837618, MONDO:0012085, OMIM 608644.

Submission:

Myriad Genetics, Inc.
Classification: Pathogenic for Primary ciliary dyskinesia 3. Last evaluated: 2024-05-14. Review status: criteria provided, single submitter. Criteria: Myriad Autosomal Dominant, Autosomal Recessive and X-Linked Classification Criteria (2023). Collection method: clinical testing. Allele origin: unknown.
Comment: NM_001369.2(DNAH5):c.3593_3594ins11(T1199Kfs*8) is expected to be pathogenic in the context of primary ciliary dyskinesia, DNAH5-related. This variant is predicted to lead to an abnormal or absent protein product due to the creation of a premature termination codon in DNAH5, a gene where loss-of-function variants are known to be pathogenic. Please note: this variant was assessed in the context of healthy population screening.

NM_001369.3(DNAH5):c.3593_3594insTAAGAGACAGT (p.Thr1199fs)

Genes: DNAH5 (dynein axonemal heavy chain 5; minus strand), DNAH5-AS1 (DNAH5 antisense RNA 1; plus strand). Cytogenetic location: 5p15.2.
Variant type: Insertion.
Coding change: c.3593_3594insTAAGAGACAGT on transcript NM_001369.3 (MANE Select); coding-DNA positions 3593 to 3594, TAAGAGACAGT inserted.
Protein change: p.Thr1199fs; shifts the reading frame from threonine 1199.
Molecular consequence: frameshift variant.
Genome position: GRCh38 VCF-style: chr5-13871568-G-GACTGTCTCTTA. GRCh37 (hg19) VCF-style: chr5-13871677-G-GACTGTCTCTTA.
Other names: short protein forms T1199fs.
Identifiers: ClinVar variation 5010676 (VCV005010676.1).
Genomic context (GRCh38, chr5:13,871,568, plus strand): 5'-AGAGGCAGAACAATAATGGCTAATTTATATAACTATATGAAAGAAAATGAACCAACCTGT[G>GACTGTCTCTTA]TACAGAGCAATGGAACCCACACAGACATATTCAGGCTCAGCATTAATTTCCTGCTCTAGG-3'